The following is an entry in ClinVar:

ClinVar aggregate classification (germline): Uncertain significance (1 of 4 stars; one submission).

Submission:

GeneDx
Classification: Uncertain significance. Last evaluated: 2024-05-17. Review status: criteria provided, single submitter. Criteria: GeneDx Variant Classification Process June 2021. Collection method: clinical testing. Allele origin: germline. Affected: yes.
Comment: In silico analysis indicates that this missense variant does not alter protein structure/function; Has not been previously published as pathogenic or benign to our knowledge; Not observed at significant frequency in large population cohorts (gnomAD)

NM_016604.4(KDM3B):c.1850A>G (p.Asn617Ser)

Gene: KDM3B (lysine demethylase 3B; plus strand). Cytogenetic location: 5q31.2.
Variant type: single nucleotide variant.
Coding change: c.1850A>G on transcript NM_016604.4 (MANE Select); coding-DNA position 1850, A replaced by G.
Protein change: p.Asn617Ser; replaces asparagine 617 with serine.
Molecular consequence: missense variant.
Genome position (GRCh38, 1-based): chr5:138,391,482, A>G. VCF-style: chr5-138391482-A-G. GRCh37 (hg19) VCF-style: chr5-137727171-A-G.
Other names: short protein forms N617S.
Identifiers: ClinVar variation 3377942 (VCV003377942.1).